The following is an entry in ClinVar:

NM_005883.3(APC2):c.6032T>C (p.Leu2011Pro)

Gene: APC2 (APC regulator of Wnt signaling pathway 2; plus strand). Cytogenetic location: 19p13.3.
Variant type: single nucleotide variant.
Coding change: c.6032T>C on transcript NM_005883.3 (MANE Select); coding-DNA position 6032, T replaced by C.
Protein change: p.Leu2011Pro; replaces leucine 2011 with proline.
Molecular consequence: missense variant.
Genome position (GRCh38, 1-based): chr19:1,469,333, T>C. VCF-style: chr19-1469333-T-C. GRCh37 (hg19) VCF-style: chr19-1469332-T-C.
Other names: c.6029T>C, p.Leu2010Pro (NM_001351273.1); short protein forms L2010P, L2011P.
Identifiers: ClinVar variation 2039695 (VCV002039695.4), dbSNP rs1239537442, ClinGen allele CA403042404.
Genomic context (GRCh38, chr19:1,469,333, plus strand): 5'-TCCGGCGACAGCTAACCTTCATCAAGGAGTCGCCGGGCTTGCGGCGCCGCCGCTCCGAGC[T>C]GTCCTCGGCCGAGTCCGCGGCCTCTGCCCCCCAGGGCGCCTCGCCCCGCCGCGGCCGGCC-3'
Protein context (NP_005874.1, residues 2001-2021): SPGLRRRRSE[Leu2011Pro]SSAESAASAP

ClinVar aggregate classification (germline): Uncertain significance (1 of 4 stars; one submission).

Allele frequency attached by ClinVar (database versions not stated): gnomAD exomes below 0.00001.
gnomAD v4.1: 1 of 1,374,376 alleles (0.000073%); highest among the groups gnomAD compares: Admixed American, 0.0028%; no homozygotes.

Submission:

Labcorp Genetics (formerly Invitae), Labcorp
Classification: Uncertain significance. Last evaluated: 2022-06-13. Review status: criteria provided, single submitter. Criteria: Invitae Variant Classification Sherloc (09022015). Collection method: clinical testing. Allele origin: germline.
Comment: In summary, the available evidence is currently insufficient to determine the role of this variant in disease. Therefore, it has been classified as a Variant of Uncertain Significance. Algorithms developed to predict the effect of missense changes on protein structure and function are either unavailable or do not agree on the potential impact of this missense change (SIFT: "Deleterious"; PolyPhen-2: "Probably Damaging"; Align-GVGD: "Class C0"). This variant has not been reported in the literature in individuals affected with APC2-related conditions. This variant is not present in population databases (gnomAD no frequency). This sequence change replaces leucine, which is neutral and non-polar, with proline, which is neutral and non-polar, at codon 2011 of the APC2 protein (p.Leu2011Pro).